The following is an entry in ClinVar:

NM_006329.4(FBLN5):c.76C>T (p.Gln26Ter)

Gene: FBLN5 (fibulin 5; minus strand). Cytogenetic location: 14q32.12.
Variant type: single nucleotide variant.
Coding change: c.76C>T on transcript NM_006329.4 (MANE Select); coding-DNA position 76, C replaced by T.
Protein change: p.Gln26Ter; replaces glutamine 26 with a stop codon.
Molecular consequence: nonsense. On other transcripts: 5 prime UTR variant (2).
Genome position (GRCh38, 1-based): chr14:91,940,613, G>A on the plus strand (C>T on the coding strand, the complement: FBLN5 is on the minus strand). VCF-style: chr14-91940613-G-A. GRCh37 (hg19) VCF-style: chr14-92406957-G-A.
Other names: c.76C>T, p.Gln26Ter (NM_001384158.1, NM_001384160.1); c.127C>T, p.Gln43Ter (NM_001384159.1); c.-194C>T (NM_001384161.1, NM_001384162.1); short protein forms Q43*, Q26*.
Identifiers: ClinVar variation 4732573 (VCV004732573.1).

ClinVar aggregate classification (germline): Uncertain significance (1 of 4 stars; one submission).

gnomAD v4.1: 1 of 1,613,888 alleles (0.000062%); highest among the groups gnomAD compares: Non-Finnish European, 0.000085%; no homozygotes.

Submission:

Labcorp Genetics (formerly Invitae), Labcorp
Classification: Uncertain significance. Last evaluated: 2025-12-03. Review status: criteria provided, single submitter. Criteria: Invitae Variant Classification Sherloc (09022015). Collection method: clinical testing. Allele origin: germline.
Comment: This sequence change creates a premature translational stop signal (p.Gln26*) in the FBLN5 gene. It is expected to result in an absent or disrupted protein product. However, the current clinical and genetic evidence is not sufficient to establish whether loss-of-function variants in FBLN5 cause disease. This variant is not present in population databases (gnomAD no frequency). This variant has not been reported in the literature in individuals affected with FBLN5-related conditions. In summary, the available evidence is currently insufficient to determine the role of this variant in disease. Therefore, it has been classified as a Variant of Uncertain Significance.